The following is an entry in ClinVar:

ClinVar aggregate classification (germline): Conflicting classifications of pathogenicity. Review status: criteria provided, conflicting classifications (1 of 4 stars). 9 submissions from 9 submitters: Likely pathogenic (1); Uncertain significance (7). 1 of the submissions does not count toward it. Last evaluated 2026-03-17.

Conditions:
Hereditary nonpolyposis colorectal neoplasms. Identifiers: MedGen C0009405, MeSH D003123.
Hereditary cancer-predisposing syndrome. Also called: Hereditary neoplastic syndrome; Tumor predisposition; Hereditary Cancer Syndrome; Neoplastic Syndromes, Hereditary. Identifiers: Orphanet 140162, MedGen C0027672, MeSH D009386, MONDO:0015356.
Lynch syndrome. Identifiers: Orphanet 144, MedGen C4552100, MONDO:0005835. Disease mechanism: loss of function.
Carcinoma of colon (CRC). Also called: Colonic carcinoma; Colon carcinoma. Identifiers: MedGen C0699790, MONDO:0002032.
Endometrial carcinoma. Also called: Endometrial carcinoma, somatic. Identifiers: MedGen C0476089, MONDO:0002447, OMIM 608089, HP:0012114.

Allele frequency attached by ClinVar (database versions not stated): gnomAD exomes below 0.00001; TOPMed below 0.00001; gnomAD 0.00001.
gnomAD v4.1: 5 of 1,584,240 alleles (0.00032%); highest among the groups gnomAD compares: Non-Finnish European, 0.00043%; no homozygotes.

Submissions (9):

Women's Health and Genetics/Laboratory Corporation of America, LabCorp
Classification: Uncertain significance. Last evaluated: 2026-03-17. Review status: criteria provided, single submitter. Criteria: LabCorp Variant Classification Summary - May 2015. Collection method: clinical testing. Allele origin: germline.
Comment: Variant summary: MSH6 c.2926C>T (p.Arg976Cys) results in a non-conservative amino acid change in the encoded protein sequence. Algorithms developed to predict the effect of missense changes on protein structure and function all suggest that this variant is likely to be disruptive. The variant was absent in 227712 control chromosomes. The available data on variant occurrences in the general population are insufficient to allow any conclusion about variant significance. c.2926C>T has been observed in individuals affected with colorectal cancer, unspecified cancer, or being tested for Lynch Syndrome, without strong evidence for causality (Li_2020, Salvador_2019, Yurgelun_2015, Mikaeel_2022). These report(s) do not provide unequivocal conclusions about association of the variant with Lynch Syndrome. To our knowledge, no experimental evidence demonstrating an impact on protein function has been reported. The following publications have been ascertained in the context of this evaluation (PMID: 31391288, 30702970, 25980754, 34761457). ClinVar contains an entry for this variant (Variation ID: 142327). Based on the evidence outlined above, the variant was classified as uncertain significance.

Labcorp Genetics (formerly Invitae), Labcorp
Classification: Uncertain significance for Hereditary nonpolyposis colorectal neoplasms. Last evaluated: 2025-12-21. Review status: criteria provided, single submitter. Criteria: Invitae Variant Classification Sherloc (09022015). Collection method: clinical testing. Allele origin: germline.
Comment: This sequence change replaces arginine, which is basic and polar, with cysteine, which is neutral and slightly polar, at codon 976 of the MSH6 protein (p.Arg976Cys). This variant is not present in population databases (gnomAD no frequency). This missense change has been observed in individual(s) with clinical features of Lynch syndrome (PMID: 25980754, 30702970). ClinVar contains an entry for this variant (Variation ID: 142327). Invitae Evidence Modeling of protein sequence and biophysical properties (such as structural, functional, and spatial information, amino acid conservation, physicochemical variation, residue mobility, and thermodynamic stability) has been performed for this missense variant. However, the output from this modeling did not meet the statistical confidence thresholds required to predict the impact of this variant on MSH6 protein function. This variant disrupts the p.Arg976 amino acid residue in MSH6. Other variant(s) that disrupt this residue have been determined to be pathogenic (PMID: 11807791, 28514183, 30702970, 31391288; internal data). This suggests that this residue is clinically significant, and that variants that disrupt this residue are likely to be disease-causing. In summary, the available evidence is currently insufficient to determine the role of this variant in disease. Therefore, it has been classified as a Variant of Uncertain Significance.

Ambry Genetics
Classification: Likely pathogenic for Hereditary cancer-predisposing syndrome. Last evaluated: 2025-06-27. Review status: criteria provided, single submitter. Criteria: Ambry Variant Classification Scheme 2023. Collection method: clinical testing. Allele origin: germline.
Comment: The p.R976C variant (also known as c.2926C>T), located in coding exon 4 of the MSH6 gene, results from a C to T substitution at nucleotide position 2926. The arginine at codon 976 is replaced by cysteine, an amino acid with highly dissimilar properties. This variant has been identified in probands whose Lynch syndrome-associated tumor demonstrated high microsatellite instability and/or loss of MSH6 expression by immunohistochemistry (IHC), as well as probands whose Lynch syndrome-associated tumor was microsatellite stable (MSS) and/or demonstrated normal mismatch repair protein expression by IHC (Ambry internal data). Based on internal structural analysis, this alteration causes destabilization at the interface between the lever and clamp domains where other pathogenic alterations are present (Warren JJ et al. Mol. Cell. 2007 May;26:579-92). This variant is considered to be rare based on population cohorts in the Genome Aggregation Database (gnomAD). This amino acid position is highly conserved in available vertebrate species. In addition, this alteration is predicted to be deleterious by in silico analysis. Based on the majority of available evidence to date, this variant is likely to be pathogenic.

Quest Diagnostics Nichols Institute San Juan Capistrano
Classification: Uncertain significance. Last evaluated: 2024-05-03. Review status: criteria provided, single submitter. Criteria: Quest Diagnostics criteria. Collection method: clinical testing. Allele origin: unknown.
Comment: The MSH6 c.2926C>T (p.Arg976Cys) variant has been reported in the published literature in individuals with or suspected of having Lynch syndrome (PMIDs: 25980754 (2015), 29755653 (2018), 30702970 (2019), and 31391288 (2020)). Tumor analysis of an affected individual with uterine cancer showed high microsatellite instability with loss of MSH6 protein staining on immunohistochemistry (PMID: 29755653 (2018)). This variant has also been reported in individuals with breast cancer in a case-control study (PMID: 33471991 (2021), see also LOVD). The frequency of this variant in the general population, 0.0000066 (1/152122 chromosomes (Genome Aggregation Database)), is uninformative in the assessment of its pathogenicity. Analysis of this variant using bioinformatics tools for the prediction of the effect of amino acid changes on protein structure and function yielded predictions that this variant is damaging. Based on the available information, we are unable to determine the clinical significance of this variant.

All of Us Research Program, National Institutes of Health
Classification: Uncertain significance for Lynch syndrome. Last evaluated: 2023-11-20. Review status: criteria provided, single submitter. Criteria: ACMG Guidelines, 2015. Collection method: clinical testing. Allele origin: germline. Inheritance: Autosomal dominant inheritance. Observed: 3 variant alleles, 3 heterozygotes.
Comment: This missense variant replaces arginine with cysteine at codon 976 of the MSH6 protein. Computational prediction suggests that this variant may have deleterious impact on protein structure and function (internally defined REVEL score threshold >= 0.7, PMID: 27666373). To our knowledge, functional studies have not been reported for this variant. This variant has been reported in individuals affected with or suspected of having Lynch syndrome (PMID: 25980754, 29755653, 30702970, 31391288). This variant has not been identified in the general population by the Genome Aggregation Database (gnomAD). The available evidence is insufficient to determine the role of this variant in disease conclusively. Therefore, this variant is classified as a Variant of Uncertain Significance.

This study involves interpretation of variants in research participants for the purpose of population health screening. Participant phenotype was not available at the time of variant classification. Additional details can be found in publication PMID: 35346344, PMCID: PMC8962531

Baylor Genetics
Classification: Uncertain significance for Endometrial carcinoma. Last evaluated: 2023-08-25. Review status: criteria provided, single submitter. Criteria: ACMG Guidelines, 2015. Collection method: clinical testing. Allele origin: unknown.

GeneDx
Classification: Uncertain significance. Last evaluated: 2022-05-19. Review status: criteria provided, single submitter. Criteria: GeneDx Variant Classification Process June 2021. Collection method: clinical testing. Allele origin: germline. Affected: yes.
Comment: Observed in a patient with endometrial cancer and tumor studies consistent with pathogenic variants in this gene (Gray 2018); Not observed at significant frequency in large population cohorts (gnomAD); In silico analysis supports that this missense variant has a deleterious effect on protein structure/function; This variant is associated with the following publications: (PMID: 25980754, 30702970, 29755653, 11807791, 23621914)

Genetic Services Laboratory, University of Chicago
Classification: Uncertain significance. Last evaluated: 2019-07-26. Review status: criteria provided, single submitter. Criteria: ACMG Guidelines, 2015. Collection method: clinical testing. Allele origin: germline. Affected: no.

Department of Pathology and Laboratory Medicine, Sinai Health System
Classification: Uncertain significance for Carcinoma of colon. Review status: no assertion criteria provided. Collection method: clinical testing. Allele origin: unknown. Affected: yes. Study: The Canadian Open Genetics Repository (COGR). Not counted in ClinVar's aggregate classification.
Comment: The MSH6 p.Arg976Cys variant was identified in 1 of 2520 proband chromosomes (frequency: 0.0004) from individuals or families who had a history of Lynch syndrome-associated cancer and/or polyps, the affected individual also carrying other variants: NBN c.1489A>G, p.Thr497Ala, PTEN c.802-51_802-14del, and monoallelic MUTYH c.1227_1228dupGG (p.Glu410Glyfs*43) (Yurgelun_2015_25980754). The variant was also identified in dbSNP (ID: rs587782386) â€šÃ„ÃºWith Likely pathogenic alleleâ€šÃ„Ã¹, ClinVar (classified with conflicting interpretations of pathogenicity; likely pathogenic by Ambry Genetics and uncertain significance by GeneDx), and Clinvitae (2x). The variant was not identified in Cosmic, MutDB, UMD-LSDB, Insight Colon Cancer Gene Variant Database, Zhejiang Colon Cancer Database, Mismatch Repair Genes Variant Database, Insight Hereditary Tumors Database, the 1000 Genomes Project, the NHLBI GO Exome Sequencing Project or the Exome Aggregation Consortium (August 8th 2016) control databases. The p.Arg976 residue is conserved in mammals and computational analyses (PolyPhen-2, SIFT, AlignGVGD, BLOSUM, MutationTaster) provide inconsistent predictions regarding the impact to the protein; this information is not very predictive of pathogenicity. The variant occurs outside of the splicing consensus sequence and in silico or computational prediction software programs (SpliceSiteFinder, MaxEntScan, NNSPLICE, GeneSplicer, HumanSpliceFinder) do not predict a difference in splicing. In summary, based on the above information the clinical significance of this variant cannot be determined with certainty at this time. This variant is classified as a variant of uncertain significance.

Literature cited by the submitters: PubMed 25980754 (cited by 4 submitters); PubMed 30702970 (cited by 4 submitters); PubMed 31391288 (cited by 4 submitters); PubMed 34761457 (cited by Women's Health and Genetics/Laboratory Corporation of America, LabCorp); PubMed 11807791 (cited by Labcorp Genetics (formerly Invitae), Labcorp and Ambry Genetics); PubMed 28514183 (cited by Labcorp Genetics (formerly Invitae), Labcorp); PubMed 17531815 (cited by Ambry Genetics); PubMed 18790734 (cited by Ambry Genetics); PubMed 22102614 (cited by Ambry Genetics); PubMed 29755653 (cited by Quest Diagnostics Nichols Institute San Juan Capistrano and All of Us Research Program, National Institutes of Health); PubMed 33471991 (cited by Quest Diagnostics Nichols Institute San Juan Capistrano).

NM_000179.3(MSH6):c.2926C>T (p.Arg976Cys)

Gene: MSH6 (mutS homolog 6; plus strand). Cytogenetic location: 2p16.3.
Variant type: single nucleotide variant.
Coding change: c.2926C>T on transcript NM_000179.3 (MANE Select); coding-DNA position 2926, C replaced by T.
Protein change: p.Arg976Cys; replaces arginine 976 with cysteine.
Molecular consequence: missense variant.
Genome position (GRCh38, 1-based): chr2:47,800,909, C>T. VCF-style: chr2-47800909-C-T. GRCh37 (hg19) VCF-style: chr2-48028048-C-T.
Other names: p.R976C:CGT>TGT; c.2536C>T, p.Arg846Cys (NM_001281492.2); c.2020C>T, p.Arg674Cys (NM_001281493.2, NM_001281494.2); short protein forms R976C, R674C, R846C.
Identifiers: ClinVar variation 142327 (VCV000142327.28), dbSNP rs587782386, ClinGen allele CA011096.